The following is an entry in ClinVar:

ClinVar aggregate classification (germline): Benign (1 of 4 stars; one submission).

Allele frequency attached by ClinVar (database versions not stated): gnomAD 0.16252 and 0.16615; TOPMed 0.17890; 1000 Genomes Project 0.19629; 1000 Genomes Project 30x 0.20534.
gnomAD v4.1: 24,636 of 152,054 alleles (16%); highest among the groups gnomAD compares: African/African-American, 34%; 3,054 homozygotes.

Submission:

GeneDx
Classification: Benign. Last evaluated: 2018-06-19. Review status: criteria provided, single submitter. Criteria: GeneDx Variant Classification (06012015). Collection method: clinical testing. Allele origin: germline. Affected: yes.
Comment: This variant is considered likely benign or benign based on one or more of the following criteria: it is a conservative change, it occurs at a poorly conserved position in the protein, it is predicted to be benign by multiple in silico algorithms, and/or has population frequency not consistent with disease.

NM_012434.5(SLC17A5):c.978+284G>A

Gene: SLC17A5 (solute carrier family 17 member 5; minus strand). Cytogenetic location: 6q13.
Variant type: single nucleotide variant.
Coding change: c.978+284G>A on transcript NM_012434.5 (MANE Select); 284 bases into the intron after coding-DNA position 978, G replaced by A.
Molecular consequence: intron variant.
Genome position (GRCh38, 1-based): chr6:73,621,520, C>T on the plus strand (G>A on the coding strand, the complement: SLC17A5 is on the minus strand). VCF-style: chr6-73621520-C-T. GRCh37 (hg19) VCF-style: chr6-74331243-C-T.
Identifiers: ClinVar variation 672092 (VCV000672092.1), dbSNP rs6453684, ClinGen allele CA12389592.